The following is an entry in ClinVar:

ClinVar aggregate classification (germline): Uncertain significance (1 of 4 stars; one submission).

Submission:

Women's Health and Genetics/Laboratory Corporation of America, LabCorp
Classification: Uncertain significance. Last evaluated: 2024-01-19. Review status: criteria provided, single submitter. Criteria: LabCorp Variant Classification Summary - May 2015. Collection method: clinical testing. Allele origin: germline.
Comment: Variant summary: HADHA c.2010_2012delCGA (p.Asp670del) results in an in-frame deletion that is predicted to remove one amino acid from the encoded protein. The variant was absent in 251226 control chromosomes. The available data on variant occurrences in the general population are insufficient to allow any conclusion about variant significance. To our knowledge, no occurrence of c.2010_2012delCGA in individuals affected with Long Chain 3-Hydroxyacyl-CoA Dehydrogenase Deficiency and no experimental evidence demonstrating its impact on protein function have been reported. No submitters have cited clinical-significance assessments for this variant to ClinVar. Based on the evidence outlined above, the variant was classified as uncertain significance.

NM_000182.5(HADHA):c.2010_2012del (p.Asp670del)

Genes: GAREM2 (GRB2 associated regulator of MAPK1 subtype 2; plus strand), HADHA (hydroxyacyl-CoA dehydrogenase trifunctional multienzyme complex subunit alpha; minus strand). Cytogenetic location: 2p23.3.
Variant type: Deletion.
Coding change: c.2010_2012del on transcript NM_000182.5 (MANE Select); coding-DNA positions 2010 to 2012, 3 bases deleted (CGA; older notation c.2010_2012delCGA).
Protein change: p.Asp670del; deletes aspartic acid 670.
Molecular consequence: inframe deletion.
Genome position (GRCh38, 1-based): chr2:26,191,617-26,191,619, TCG deleted on the plus strand (CGA on the coding strand, the reverse complement: HADHA is on the minus strand); deleting any 3 consecutive bases within chr2:26,191,617-26,191,621 gives the same sequence; the c. name uses the placement nearest the transcript's 3' end. VCF-style (leftmost placement, unchanged base first): chr2-26191616-TTCG-T. GRCh37 (hg19) VCF-style: chr2-26414485-TTCG-T.
Other names: c.2010_2012delCGA (NM_000182.5); short protein forms D670del.
Identifiers: ClinVar variation 3063981 (VCV003063981.1), dbSNP rs2465506107, ClinGen allele CA2740092711.